The following is an entry in ClinVar:

ClinVar aggregate classification (germline): Uncertain significance (1 of 4 stars; one submission).

Conditions:
Haddad syndrome (OHD). Also called: Ondine-Hirschsprung disease. Identifiers: Orphanet 99803, MedGen C1859049, MONDO:0020493.

Submission:

Labcorp Genetics (formerly Invitae), Labcorp
Classification: Uncertain significance for Haddad syndrome. Last evaluated: 2019-12-01. Review status: criteria provided, single submitter. Criteria: Invitae Variant Classification Sherloc (09022015). Collection method: clinical testing. Allele origin: germline.
Comment: In summary, the available evidence is currently insufficient to determine the role of this variant in disease. Therefore, it has been classified as a Variant of Uncertain Significance. This variant has not been reported in the literature in individuals with PHOX2B-related conditions. This variant is not present in population databases (ExAC no frequency). This sequence change replaces glycine with arginine at codon 270 of the PHOX2B protein (p.Gly270Arg). The glycine residue is moderately conserved and there is a moderate physicochemical difference between glycine and arginine.

NM_003924.4(PHOX2B):c.808G>C (p.Gly270Arg)

Gene: PHOX2B (paired like homeobox 2B; minus strand). Cytogenetic location: 4p13.
Variant type: single nucleotide variant.
Coding change: c.808G>C on transcript NM_003924.4 (MANE Select); coding-DNA position 808, G replaced by C.
Protein change: p.Gly270Arg; replaces glycine 270 with arginine.
Molecular consequence: missense variant.
Genome position (GRCh38, 1-based): chr4:41,745,944, C>G on the plus strand (G>C on the coding strand, the complement: PHOX2B is on the minus strand). VCF-style: chr4-41745944-C-G. GRCh37 (hg19) VCF-style: chr4-41747961-C-G.
Other names: short protein forms G270R.
Identifiers: ClinVar variation 861479 (VCV000861479.9), dbSNP rs1553897753, ClinGen allele CA356737103.